The following is an entry in ClinVar:

NM_032447.5(FBN3):c.3091G>A (p.Glu1031Lys)

Gene: FBN3 (fibrillin 3; minus strand). Cytogenetic location: 19p13.2.
Variant type: single nucleotide variant.
Coding change: c.3091G>A on transcript NM_032447.5 (MANE Select); coding-DNA position 3091, G replaced by A.
Protein change: p.Glu1031Lys; replaces glutamic acid 1031 with lysine.
Molecular consequence: missense variant.
Genome position (GRCh38, 1-based): chr19:8,121,378, C>T on the plus strand (G>A on the coding strand, the complement: FBN3 is on the minus strand). VCF-style: chr19-8121378-C-T. GRCh37 (hg19) VCF-style: chr19-8186262-C-T.
Other names: c.3091G>A, p.Glu1031Lys (NM_001321431.2); short protein forms E1031K.
Identifiers: ClinVar variation 2369403 (VCV002369403.4), dbSNP rs144789622, ClinGen allele CA9152575.
Genomic context (GRCh38, chr19:8,121,378, plus strand): 5'-AGCTGCCCGGCGTGTTGACACAGGTGCCCTGGCCGCAGAGGTCAGGAGAGATGCGACACT[C>T]GTCGATATCTGTGGGGAGAGGGGGCAGAGGCCGGAGGCGCCATGTGGGCCGCATCATGGG-3'
Protein context (NP_115823.3, residues 1021-1041): AQERNCTDID[Glu1031Lys]CRISPDLCGQ

ClinVar aggregate classification (germline): Uncertain significance. Review status: criteria provided, multiple submitters, no conflicts (2 of 4 stars). 3 submissions from 3 submitters: Uncertain significance (3). Last evaluated 2025-02-23.

Allele frequency attached by ClinVar (database versions not stated): TOPMed 0.00014; ExAC 0.00018; gnomAD 0.00018; ESP Exome Variant Server 0.00023; 1000 Genomes Project 30x 0.00031; 1000 Genomes Project 0.00040.
gnomAD v4.1: 629 of 1,597,330 alleles (0.039%); highest among the groups gnomAD compares: Non-Finnish European, 0.052%; no homozygotes.

Submissions (3):

Labcorp Genetics (formerly Invitae), Labcorp
Classification: Uncertain significance. Last evaluated: 2025-02-23. Review status: criteria provided, single submitter. Criteria: Invitae Variant Classification Sherloc (09022015). Collection method: clinical testing. Allele origin: germline.
Comment: This sequence change replaces glutamic acid, which is acidic and polar, with lysine, which is basic and polar, at codon 1031 of the FBN3 protein (p.Glu1031Lys). This variant is present in population databases (rs144789622, gnomAD 0.03%). This variant has not been reported in the literature in individuals affected with FBN3-related conditions. ClinVar contains an entry for this variant (Variation ID: 2369403). Invitae Evidence Modeling of protein sequence and biophysical properties (such as structural, functional, and spatial information, amino acid conservation, physicochemical variation, residue mobility, and thermodynamic stability) indicates that this missense variant is expected to disrupt FBN3 protein function with a positive predictive value of 80%. In summary, the available evidence is currently insufficient to determine the role of this variant in disease. Therefore, it has been classified as a Variant of Uncertain Significance.

Clinical Genomics Laboratory, Washington University in St. Louis
Classification: Uncertain significance. Last evaluated: 2024-02-21. Review status: criteria provided, single submitter. Criteria: ACMG Guidelines, 2015. Collection method: clinical testing. Allele origin: germline.
Comment: The FBN3 c.3091G>A (p.Glu1031Lys) variant, to our knowledge, has not been reported in the medical literature. The highest population minor allele frequency in the population database genome aggregation database (v.2.1.1) is 0.0325% in the European non-Finnish population. Computational predictors indicate that the variant is damaging, evidence that correlates with impact to FBN3 function. This variant has been reported in the ClinVar database as a germline variant of uncertain significance by one submitter. Due to limited information, the clinical significance of this variant is uncertain.

Ambry Genetics
Classification: Uncertain significance. Last evaluated: 2021-08-09. Review status: criteria provided, single submitter. Criteria: Ambry Variant Classification Scheme 2023. Collection method: clinical testing. Allele origin: germline.